The following is an entry in ClinVar:

NM_007294.4(BRCA1):c.4304A>T (p.Asp1435Val)

Gene: BRCA1 (BRCA1 DNA repair associated; minus strand). Cytogenetic location: 17q21.31.
Variant type: single nucleotide variant.
Coding change: c.4304A>T on transcript NM_007294.4 (MANE Select); coding-DNA position 4304, A replaced by T.
Protein change: p.Asp1435Val; replaces aspartic acid 1435 with valine.
Molecular consequence: missense variant. On other transcripts: non-coding transcript variant (1).
Genome position (GRCh38, 1-based): chr17:43,082,457, T>A on the plus strand (A>T on the coding strand, the complement: BRCA1 is on the minus strand). VCF-style: chr17-43082457-T-A. GRCh37 (hg19) VCF-style: chr17-41234474-T-A.
Other names: c.4091A>T, p.Asp1364Val (NM_001407571.1, NM_001407853.1, NM_001407894.1 and 12 more transcripts); c.4304A>T, p.Asp1435Val (NM_001407581.1, NM_001407582.1, NM_001407583.1 and 23 more transcripts); c.4301A>T, p.Asp1434Val (NM_001407587.1, NM_001407590.1, NM_001407591.1 and 21 more transcripts); c.4298A>T, p.Asp1433Val (NM_001407627.1, NM_001407628.1, NM_001407629.1 and 5 more transcripts); c.4292A>T, p.Asp1431Val (NM_001407646.1, NM_001407647.1); c.4181A>T, p.Asp1394Val (NM_001407648.1, NM_001407664.1, NM_001407665.1 and 13 more transcripts); c.4178A>T, p.Asp1393Val (NM_001407649.1, NM_001407670.1, NM_001407671.1 and 12 more transcripts); c.4226A>T, p.Asp1409Val (NM_001407653.1, NM_001407654.1, NM_001407655.1 and 2 more transcripts); and 51 more; short protein forms D1388V, D1435V, D332V, D1308V, D1322V, D1324V, D1364V, D1408V.
Identifiers: ClinVar variation 658688 (VCV000658688.10), dbSNP rs876660809, ClinGen allele CA10593111.

ClinVar aggregate classification (germline): Uncertain significance (1 of 4 stars; one submission).

Conditions:
Hereditary breast ovarian cancer syndrome. Also called: BRCA1- and BRCA2-Associated Hereditary Breast and Ovarian Cancer; Hereditary breast and ovarian cancer syndrome; Hereditary breast and ovarian cancer syndrome (HBOC); Hereditary breast and/or ovarian cancer syndrome; Breast and ovarian cancer; Hereditary breast and ovarian cancer. Identifiers: Orphanet 145, MedGen C0677776, MeSH D061325, MONDO:0003582. Disease mechanism: loss of function.

Submission:

Labcorp Genetics (formerly Invitae), Labcorp
Classification: Uncertain significance for Hereditary breast ovarian cancer syndrome. Last evaluated: 2018-11-15. Review status: criteria provided, single submitter. Criteria: Invitae Variant Classification Sherloc (09022015). Collection method: clinical testing. Allele origin: germline.
Comment: In summary, the available evidence is currently insufficient to determine the role of this variant in disease. Therefore, it has been classified as a Variant of Uncertain Significance. Algorithms developed to predict the effect of missense changes on protein structure and function (SIFT, PolyPhen-2, Align-GVGD) all suggest that this variant is likely to be tolerated, but these predictions have not been confirmed by published functional studies and their clinical significance is uncertain. This variant has not been reported in the literature in individuals with BRCA1-related disease. This variant is not present in population databases (ExAC no frequency). This sequence change replaces aspartic acid with valine at codon 1435 of the BRCA1 protein (p.Asp1435Val). The aspartic acid residue is moderately conserved and there is a large physicochemical difference between aspartic acid and valine.